The following is an entry in ClinVar:

NM_007078.3(LDB3):c.1453G>T (p.Ala485Ser)

Gene: LDB3 (LIM domain binding 3; plus strand). Cytogenetic location: 10q23.2.
Variant type: single nucleotide variant.
Coding change: c.1453G>T on transcript NM_007078.3 (MANE Select); coding-DNA position 1453, G replaced by T.
Protein change: p.Ala485Ser; replaces alanine 485 with serine.
Molecular consequence: missense variant.
Genome position (GRCh38, 1-based): chr10:86,716,548, G>T. VCF-style: chr10-86716548-G-T. GRCh37 (hg19) VCF-style: chr10-88476305-G-T.
Other names: c.1123G>T, p.Ala375Ser (NM_001080114.2); c.1468G>T, p.Ala490Ser (NM_001171610.2); c.1264G>T, p.Ala422Ser (NM_001368064.1, NM_001368065.1); c.1312G>T, p.Ala438Ser (NM_001368066.1); short protein forms A485S, A375S, A438S, A422S, A490S.
Identifiers: ClinVar variation 45519 (VCV000045519.16), dbSNP rs397517214, ClinGen allele CA136516.

ClinVar aggregate classification (germline): Conflicting classifications of pathogenicity. Review status: criteria provided, conflicting classifications (1 of 4 stars). 3 submissions from 3 submitters: Uncertain significance (2); Likely benign (1). Last evaluated 2025-08-28.

Conditions:
Cardiovascular phenotype. Identifiers: MedGen CN230736.
Myofibrillar myopathy 4. Also called: Zaspopathy (type). Identifiers: Orphanet 98912, MedGen C4721886, MONDO:0012277, OMIM 609452.

Allele frequency attached by ClinVar (database versions not stated): gnomAD exomes 0.00001; TOPMed 0.00001; gnomAD 0.00003.
gnomAD v4.1: 23 of 1,613,460 alleles (0.0014%); highest among the groups gnomAD compares: Admixed American, 0.0083%; no homozygotes.

Submissions (3):

Ambry Genetics
Classification: Likely benign for Cardiovascular phenotype. Last evaluated: 2025-08-28. Review status: criteria provided, single submitter. Criteria: Ambry Variant Classification Scheme 2023. Collection method: clinical testing. Allele origin: germline.

Labcorp Genetics (formerly Invitae), Labcorp
Classification: Uncertain significance for Myofibrillar myopathy 4. Last evaluated: 2025-04-11. Review status: criteria provided, single submitter. Criteria: Invitae Variant Classification Sherloc (09022015). Collection method: clinical testing. Allele origin: germline.
Comment: The LDB3 gene has multiple clinically relevant transcripts. This variant occurs in alternate transcript NM_007078.3, and corresponds to NM_001080116.1:c.*17174G>T in the primary transcript. This sequence change replaces alanine, which is neutral and non-polar, with serine, which is neutral and polar, at codon 485 of the LDB3 protein (p.Ala485Ser). This variant is present in population databases (rs397517214, gnomAD 0.003%). This missense change has been observed in individual(s) with clinical features of LDB3-related conditions (internal data). Experimental studies and prediction algorithms are not available or were not evaluated, and the functional significance of this variant is currently unknown. In summary, the available evidence is currently insufficient to determine the role of this variant in disease. Therefore, it has been classified as a Variant of Uncertain Significance.

Laboratory for Molecular Medicine, Mass General Brigham Personalized Medicine
Classification: Uncertain significance. Last evaluated: 2014-05-09. Review status: criteria provided, single submitter. Criteria: LMM Criteria. Collection method: clinical testing. Allele origin: germline. Observed: 4 variant alleles.
Comment: The Ala485Ser variant in LDB3 has been identified by our laboratory in 2 Caucasi an adults with DCM and was absent from large population studies. Computational p rediction tools and conservation analysis do not provide strong support for or a gainst an impact to the protein. In summary, the clinical significance of the Va l30899Gly variant is uncertain.